The following is an entry in ClinVar:

NM_000246.4(CIITA):c.199+1G>A

Gene: CIITA (class II major histocompatibility complex transactivator; plus strand). Cytogenetic location: 16p13.13.
Variant type: single nucleotide variant.
Coding change: c.199+1G>A on transcript NM_000246.4 (MANE Select); the canonical splice donor site of the intron after coding-DNA position 199, G replaced by A.
Molecular consequence: splice donor variant.
Genome position (GRCh38, 1-based): chr16:10,895,429, G>A. VCF-style: chr16-10895429-G-A. GRCh37 (hg19) VCF-style: chr16-10989286-G-A.
Other names: c.199+1G>A (NM_001286402.1, NM_001379332.1, NM_001379330.1 and 3 more transcripts); c.127+1G>A (NM_001379334.1).
Identifiers: ClinVar variation 1496695 (VCV001496695.9), dbSNP rs777089127, ClinGen allele CA7899597.

ClinVar aggregate classification (germline): Likely pathogenic. Review status: criteria provided, multiple submitters, no conflicts (2 of 4 stars). 2 submissions from 2 submitters: Likely pathogenic (2). Last evaluated 2024-04-19.

Conditions:
MHC class II deficiency. Also called: Bare lymphocyte syndrome 2; BLS, TYPE II. Identifiers: Orphanet 572, MedGen C5447452, MONDO:0008855.
Rheumatoid arthritis (RA). Also called: RHEUMATOID ARTHRITIS, SUSCEPTIBILITY TO. Identifiers: MedGen C0003873, MONDO:0008383, OMIM 180300, HP:0001370.
MHC class II deficiency 1 (MHC2D1). Also called: SCID, HLA CLASS II-NEGATIVE; Bare lymphocyte syndrome type 2, complementation group A; BARE LYMPHOCYTE SYNDROME, TYPE II, COMPLEMENTATION GROUP A. Identifiers: MedGen C1859534, MONDO:0971005, OMIM 209920.

Allele frequency attached by ClinVar (database versions not stated): ExAC 0.00001; gnomAD exomes 0.00001.
gnomAD v4.1: 10 of 1,613,456 alleles (0.00062%); highest among the groups gnomAD compares: Non-Finnish European, 0.00085%; no homozygotes.

Submissions (2):

Fulgent Genetics
Classification: Likely pathogenic for Rheumatoid arthritis; MHC class II deficiency 1. Last evaluated: 2024-04-19. Review status: criteria provided, single submitter. Criteria: ACMG Guidelines, 2015. Collection method: clinical testing. Allele origin: germline.

Labcorp Genetics (formerly Invitae), Labcorp
Classification: Likely pathogenic for MHC class II deficiency. Last evaluated: 2020-12-04. Review status: criteria provided, single submitter. Criteria: Invitae Variant Classification Sherloc (09022015). Collection method: clinical testing. Allele origin: germline.
Comment: This variant has not been reported in the literature in individuals with CIITA-related conditions. This variant is present in population databases (rs777089127, ExAC 0.02%). This sequence change affects a donor splice site in intron 2 of the CIITA gene. It is expected to disrupt RNA splicing. Variants that disrupt the donor or acceptor splice site typically lead to a loss of protein function (PMID: 16199547), and loss-of-function variants in CIITA are known to be pathogenic (PMID: 8402893, 9099848, 26271388). Algorithms developed to predict the effect of sequence changes on RNA splicing suggest that this variant may disrupt the consensus splice site, but this prediction has not been confirmed by published transcriptional studies. In summary, the currently available evidence indicates that the variant is pathogenic, but additional data are needed to prove that conclusively. Therefore, this variant has been classified as Likely Pathogenic.

Literature cited by the submitters: PubMed 16199547 (cited by Labcorp Genetics (formerly Invitae), Labcorp); PubMed 8402893 (cited by Labcorp Genetics (formerly Invitae), Labcorp); PubMed 9099848 (cited by Labcorp Genetics (formerly Invitae), Labcorp); PubMed 26271388 (cited by Labcorp Genetics (formerly Invitae), Labcorp).